The following is an entry in ClinVar:

ClinVar aggregate classification (germline): Likely benign (0 of 4 stars; one submission).

Conditions:
CAPN12-related disorder. Also called: CAPN12-related condition.

Allele frequency attached by ClinVar (database versions not stated): gnomAD 0.00001; TOPMed 0.00001.
gnomAD v4.1: 59 of 1,552,536 alleles (0.0038%); highest among the groups gnomAD compares: Middle Eastern, 0.05%; no homozygotes.

Submission:

PreventionGenetics, part of Exact Sciences
Classification: Likely benign for CAPN12-related condition. Last evaluated: 2019-09-17. Review status: no assertion criteria provided. Collection method: clinical testing. Allele origin: germline.
Comment: This variant is classified as likely benign based on ACMG/AMP sequence variant interpretation guidelines (Richards et al. 2015 PMID: 25741868, with internal and published modifications).

NM_144691.4(CAPN12):c.2091C>T (p.His697=)

Genes: ACTN4 (actinin alpha 4; plus strand), CAPN12 (calpain 12; minus strand). Cytogenetic location: 19q13.2.
Variant type: single nucleotide variant.
Coding change: c.2091C>T on transcript NM_144691.4 (MANE Select); coding-DNA position 2091, C replaced by T.
Protein change: p.His697=; no amino-acid change (histidine 697 retained).
Molecular consequence: synonymous variant. On other transcripts: 3 prime UTR variant (3).
Genome position (GRCh38, 1-based): chr19:38,731,007, G>A on the plus strand (C>T on the coding strand, the complement: CAPN12 is on the minus strand). VCF-style: chr19-38731007-G-A. GRCh37 (hg19) VCF-style: chr19-39221647-G-A.
Other names: c.*1575G>A (NM_001322033.2, NM_001411143.1, NM_004924.6).
Identifiers: ClinVar variation 3039942 (VCV003039942.2), dbSNP rs746602421, ClinGen allele CA9418231.
Genomic context (GRCh38, chr19:38,731,007, plus strand): 5'-CCCTCCCACCTGGCTCACCTGTCTGTGGGTCAGGCAGATGACCCCCTCACCCCCATCCAG[G>A]TGCTGGCTGCAGTGGCCTGTGCAGAGAGGGGCAGGGTGAGTGCCCACCAGTCCCCGTACC-3'
Protein context (NP_653292.2, residues 687-707): LTCIFCHCSQ[His697=]LDGGEGVICL